The following is an entry in ClinVar:

ClinVar aggregate classification (germline): Uncertain significance (1 of 4 stars; one submission).

Submission:

GeneDx
Classification: Uncertain significance. Last evaluated: 2022-11-04. Review status: criteria provided, single submitter. Criteria: GeneDx Variant Classification Process June 2021. Collection method: clinical testing. Allele origin: germline. Affected: yes.
Comment: Not observed at significant frequency in large population cohorts (gnomAD); In silico analysis supports that this missense variant has a deleterious effect on protein structure/function; Has not been previously published as pathogenic or benign to our knowledge

NM_001111.5(ADAR):c.3091C>T (p.Leu1031Phe)

Gene: ADAR (adenosine deaminase RNA specific; minus strand). Cytogenetic location: 1q21.3.
Variant type: single nucleotide variant.
Coding change: c.3091C>T on transcript NM_001111.5 (MANE Select); coding-DNA position 3091, C replaced by T.
Protein change: p.Leu1031Phe; replaces leucine 1031 with phenylalanine.
Molecular consequence: missense variant.
Genome position (GRCh38, 1-based): chr1:154,586,292, G>A on the plus strand (C>T on the coding strand, the complement: ADAR is on the minus strand). VCF-style: chr1-154586292-G-A. GRCh37 (hg19) VCF-style: chr1-154558768-G-A.
Other names: c.2206C>T, p.Leu736Phe (NM_001025107.3, NM_001193495.2, NM_001365046.1 and 2 more transcripts); c.3118C>T, p.Leu1040Phe (NM_001365045.1); c.2128C>T, p.Leu710Phe (NM_001365049.1); c.3013C>T, p.Leu1005Phe (NM_015840.4); c.2956C>T, p.Leu986Phe (NM_015841.4); short protein forms L1005F, L1031F, L1040F, L710F, L736F, L986F.
Identifiers: ClinVar variation 2501341 (VCV002501341.1), dbSNP rs1346683429, ClinGen allele CA342635748.